The following is an entry in ClinVar:

ClinVar aggregate classification (germline): Uncertain significance (1 of 4 stars; one submission).

gnomAD v4.1: 10 of 1,614,028 alleles (0.00062%); highest among the groups gnomAD compares: Admixed American, 0.0033%; no homozygotes.

Submission:

GeneDx
Classification: Uncertain significance. Last evaluated: 2025-06-25. Review status: criteria provided, single submitter. Criteria: GeneDx Variant Classification Process June 2021. Collection method: clinical testing. Allele origin: germline. Affected: yes.
Comment: In silico analysis suggests that this missense variant does not alter protein structure/function; Has not been previously published as pathogenic or benign to our knowledge

NM_020987.5(ANK3):c.9682G>A (p.Val3228Ile)

Gene: ANK3 (ankyrin 3; minus strand). Cytogenetic location: 10q21.2.
Variant type: single nucleotide variant.
Coding change: c.9682G>A on transcript NM_020987.5 (MANE Select); coding-DNA position 9682, G replaced by A.
Protein change: p.Val3228Ile; replaces valine 3228 with isoleucine.
Molecular consequence: missense variant. On other transcripts: intron variant (4).
Genome position (GRCh38, 1-based): chr10:60,071,199, C>T on the plus strand (G>A on the coding strand, the complement: ANK3 is on the minus strand). VCF-style: chr10-60071199-C-T. GRCh37 (hg19) VCF-style: chr10-61830957-C-T.
Other names: c.4388-3190G>A (NM_001204403.2); c.4409-3190G>A (NM_001204404.2); c.4406-3190G>A (NM_001320874.2); c.1808-3190G>A (NM_001149.4); short protein forms V3228I.
Identifiers: ClinVar variation 4539874 (VCV004539874.1).